The following is an entry in ClinVar:

ClinVar aggregate classification (germline): Uncertain significance (1 of 4 stars; one submission).

Submission:

Labcorp Genetics (formerly Invitae), Labcorp
Classification: Uncertain significance. Last evaluated: 2024-02-24. Review status: criteria provided, single submitter. Criteria: Invitae Variant Classification Sherloc (09022015). Collection method: clinical testing. Allele origin: germline.
Comment: This sequence change falls in intron 9 of the NLRP1 gene. It does not directly change the encoded amino acid sequence of the NLRP1 protein. This variant is not present in population databases (gnomAD no frequency). This variant has not been reported in the literature in individuals affected with NLRP1-related conditions. Algorithms developed to predict the effect of sequence changes on RNA splicing suggest that this variant may disrupt the consensus splice site. In summary, the available evidence is currently insufficient to determine the role of this variant in disease. Therefore, it has been classified as a Variant of Uncertain Significance.

NM_033004.4(NLRP1):c.3053-6C>G

Gene: NLRP1 (NLR family pyrin domain containing 1; minus strand). Cytogenetic location: 17p13.2.
Variant type: single nucleotide variant.
Coding change: c.3053-6C>G on transcript NM_033004.4 (MANE Select); 6 bases into the intron before coding-DNA position 3053, C replaced by G.
Molecular consequence: intron variant.
Genome position (GRCh38, 1-based): chr17:5,533,390, G>C on the plus strand (C>G on the coding strand, the complement: NLRP1 is on the minus strand). VCF-style: chr17-5533390-G-C. GRCh37 (hg19) VCF-style: chr17-5436710-G-C.
Other names: c.3053-6C>G (NM_001033053.3, NM_014922.5); c.2963-6C>G (NM_033007.4, NM_033006.4).
Identifiers: ClinVar variation 4762506 (VCV004762506.1).